The following is an entry in ClinVar:

NM_138383.3(MTSS2):c.951C>T (p.Thr317=)

Gene: MTSS2 (MTSS I-BAR domain containing 2; minus strand). Cytogenetic location: 16q22.1.
Variant type: single nucleotide variant.
Coding change: c.951C>T on transcript NM_138383.3 (MANE Select); coding-DNA position 951, C replaced by T.
Protein change: p.Thr317=; no amino-acid change (threonine 317 retained).
Molecular consequence: synonymous variant.
Genome position (GRCh38, 1-based): chr16:70,674,408, G>A on the plus strand (C>T on the coding strand, the complement: MTSS2 is on the minus strand). VCF-style: chr16-70674408-G-A. GRCh37 (hg19) VCF-style: chr16-70708311-G-A.
Identifiers: ClinVar variation 4083586 (VCV004083586.8).
Genomic context (GRCh38, chr16:70,674,408, plus strand): 5'-GTAGGTGGCGTCCTGGGAGACGAAGCCAGAGTCATGGGAGGAAACGCTGGAGAGGCGAGC[G>A]GTGGTGGTGGCTGGCTGCGCCAGGCTGCGGTAGCGACAGGTGGAACTGGGTGAGTATGTT-3'
Protein context (NP_612392.1, residues 307-327): YRSLAQPATT[Thr317=]ARLSSVSSHD

ClinVar aggregate classification (germline): Likely benign (1 of 4 stars; one submission).

gnomAD v4.1: 787 of 1,614,196 alleles (0.049%); highest among the groups gnomAD compares: African/African-American, 0.45%; 4 homozygotes.

Submission:

CeGaT Center for Human Genetics Tuebingen
Classification: Likely benign. Last evaluated: 2025-07-01. Review status: criteria provided, single submitter. Criteria: CeGaT Center For Human Genetics Tuebingen Variant Classification Criteria Version 2. Collection method: clinical testing. Allele origin: germline. Affected: yes. Observed: 1 variant allele.
Comment: MTSS2: BP4, BP7, BS1